The following is an entry in ClinVar:

ClinVar aggregate classification (germline): Uncertain significance (1 of 4 stars; one submission).

Submission:

GeneDx
Classification: Uncertain significance. Last evaluated: 2022-12-08. Review status: criteria provided, single submitter. Criteria: GeneDx Variant Classification Process June 2021. Collection method: clinical testing. Allele origin: germline. Affected: yes.
Comment: Frameshift variant predicted to result in protein truncation or nonsense mediated decay in a gene or region of a gene for which loss of function is not a well-established mechanism of disease; Not observed at significant frequency in large population cohorts (gnomAD); Has not been previously published as pathogenic or benign to our knowledge

NM_181303.2(NLGN3):c.658dup (p.Asp220fs)

Gene: NLGN3 (neuroligin 3; plus strand). Cytogenetic location: Xq13.1.
Variant type: Duplication.
Coding change: c.658dup on transcript NM_181303.2 (MANE Select); coding-DNA position 658, one base duplicated (G; older notation c.658dupG).
Protein change: p.Asp220fs; shifts the reading frame from aspartic acid 220.
Molecular consequence: frameshift variant.
Genome position (GRCh38, 1-based): chrX:71,155,294, G duplicated. VCF-style (leftmost placement, unchanged base first): chrX-71155293-T-TG. GRCh37 (hg19) VCF-style: chrX-70375143-T-TG.
Other names: c.538dup, p.Asp180fs (NM_001166660.2); c.247dup, p.Asp83fs (NM_001321276.2); c.598dup, p.Asp200fs (NM_018977.4); short protein forms D180fs, D200fs, D220fs, D83fs.
Identifiers: ClinVar variation 2504990 (VCV002504990.1), dbSNP rs2519749044, ClinGen allele CA2580612471.